The following is an entry in ClinVar:

ClinVar aggregate classification (germline): Likely pathogenic. Review status: criteria provided, multiple submitters, no conflicts (2 of 4 stars). 2 submissions from 2 submitters: Likely pathogenic (2). Last evaluated 2023-04-22.

Conditions:
Telangiectasia, hereditary hemorrhagic, type 1 (HHT1). Also called: Osler Weber Rendu syndrome type 1; ENG-Related Hereditary Hemorrhagic Telangiectasia. Identifiers: Orphanet 774, MedGen C4551861, MONDO:0008535, OMIM 187300. Disease mechanism: loss of function.
Hereditary hemorrhagic telangiectasia (HHT). Also called: Osler hemorrhagic telangiectasia syndrome; ORW DISEASE; Osler Weber Rendu syndrome; OSLER-RENDU-WEBER DISEASE. Identifiers: Orphanet 774, MedGen C0039445, MONDO:0019180. Disease mechanism: loss of function.

Submissions (2):

Labcorp Genetics (formerly Invitae), Labcorp
Classification: Likely pathogenic for Hereditary hemorrhagic telangiectasia. Last evaluated: 2023-04-22. Review status: criteria provided, single submitter. Criteria: Invitae Variant Classification Sherloc (09022015). Collection method: clinical testing. Allele origin: germline.
Comment: This sequence change falls in intron 10 of the ENG gene. It does not directly change the encoded amino acid sequence of the ENG protein. It affects a nucleotide within the consensus splice site. This variant is not present in population databases (gnomAD no frequency). This variant has been observed in individual(s) with hereditary hemorrhagic telangiectasia (Invitae). It has also been observed to segregate with disease in related individuals. ClinVar contains an entry for this variant (Variation ID: 962612). Variants that disrupt the consensus splice site are a relatively common cause of aberrant splicing (PMID: 17576681, 9536098). Algorithms developed to predict the effect of sequence changes on RNA splicing suggest that this variant may disrupt the consensus splice site. In summary, the currently available evidence indicates that the variant is pathogenic, but additional data are needed to prove that conclusively. Therefore, this variant has been classified as Likely Pathogenic.

Molecular Genetics, Royal Melbourne Hospital
Classification: Likely pathogenic for Telangiectasia, hereditary hemorrhagic, type 1. Last evaluated: 2023-03-30. Review status: criteria provided, single submitter. Criteria: ACMG Guidelines, 2015. Collection method: clinical testing. Allele origin: germline. Affected: yes.
Comment: This sequence change falls at position 5 in the splice region of the donor site of intron 10 of ENG. It is absent in a large population cohort (gnomAD v2.1 and v3.1). The variant has been identified in at least four unrelated probands with a confirmed clinical diagnosis of hereditary haemorrhagic telangiectasia (HHT), and segregates with affected status over three families (Royal Melbourne Hospital; Edinburgh RGC; Pongpech S et al. J Med Assoc Thai 2018;101:1015-24; SCV001409224.2). Multiple lines of computational evidence predict an impact on splicing (SpliceAI, MaxEntScan, NNSplice), and multiple variants affecting this donor splice site have been reported as pathogenic in the HHT Mutation Database. Based on the classification scheme RMH ACMG Guidelines v1.4.0, this variant is classified as a LIKELY PATHOGENIC. Following criteria are met: PS4, PP1_Moderate, PM2_Supporting, PP3.

Literature cited by the submitters: PubMed 17576681 (cited by Labcorp Genetics (formerly Invitae), Labcorp); PubMed 9536098 (cited by Labcorp Genetics (formerly Invitae), Labcorp).

NM_001114753.3(ENG):c.1311+5G>A

Genes: ENG (endoglin; minus strand), LOC102723566 (uncharacterized LOC102723566; plus strand). Cytogenetic location: 9q34.11.
Variant type: single nucleotide variant.
Coding change: c.1311+5G>A on transcript NM_001114753.3 (MANE Select); 5 bases into the intron after coding-DNA position 1311, G replaced by A.
Molecular consequence: intron variant.
Genome position (GRCh38, 1-based): chr9:127,819,617, C>T on the plus strand (G>A on the coding strand, the complement: ENG is on the minus strand). VCF-style: chr9-127819617-C-T. GRCh37 (hg19) VCF-style: chr9-130581896-C-T.
Other names: c.1311+5G>A (NM_000118.4, NM_001114753.2); c.765+5G>A (NM_001278138.2).
Identifiers: ClinVar variation 962612 (VCV000962612.13), dbSNP rs1830423993, ClinGen allele CA915940735.